The following is an entry in ClinVar:

ClinVar aggregate classification (germline): Uncertain significance. Review status: criteria provided, multiple submitters, no conflicts (2 of 4 stars). 2 submissions from 2 submitters: Uncertain significance (2). Last evaluated 2024-01-02.

Conditions:
Autosomal recessive axonal neuropathy with neuromyotonia (NMAN). Also called: MYOKYMIA, MYOTONIA, AND MUSCLE WASTING; Gamstorp-Wohlfart syndrome; Neuromyotonia and axonal neuropathy, autosomal recessive. Identifiers: Orphanet 324442, MedGen C5700127, MONDO:0007646, OMIM 137200.

Allele frequency attached by ClinVar (database versions not stated): gnomAD exomes below 0.00001; TOPMed below 0.00001; ExAC 0.00001; gnomAD 0.00001.
gnomAD v4.1: 3 of 1,612,564 alleles (0.00019%); highest among the groups gnomAD compares: Admixed American, 0.0033%; no homozygotes.

Submissions (2):

Labcorp Genetics (formerly Invitae), Labcorp
Classification: Uncertain significance for Autosomal recessive axonal neuropathy with neuromyotonia. Last evaluated: 2024-01-02. Review status: criteria provided, single submitter. Criteria: Invitae Variant Classification Sherloc (09022015). Collection method: clinical testing. Allele origin: germline.
Comment: This sequence change replaces glycine, which is neutral and non-polar, with glutamic acid, which is acidic and polar, at codon 20 of the HINT1 protein (p.Gly20Glu). This variant is present in population databases (rs773013836, gnomAD 0.003%). This variant has not been reported in the literature in individuals affected with HINT1-related conditions. ClinVar contains an entry for this variant (Variation ID: 836107). Algorithms developed to predict the effect of missense changes on protein structure and function output the following: SIFT: "Not Available"; PolyPhen-2: "Benign"; Align-GVGD: "Not Available". The glutamic acid amino acid residue is found in multiple mammalian species, which suggests that this missense change does not adversely affect protein function. In summary, the available evidence is currently insufficient to determine the role of this variant in disease. Therefore, it has been classified as a Variant of Uncertain Significance.

CeGaT Center for Human Genetics Tuebingen
Classification: Uncertain significance. Last evaluated: 2021-04-01. Review status: criteria provided, single submitter. Criteria: CeGaT Center For Human Genetics Tuebingen Variant Classification Criteria Version 2. Collection method: clinical testing. Allele origin: germline. Affected: yes. Observed: 1 variant allele.

NM_005340.7(HINT1):c.59G>A (p.Gly20Glu)

Gene: HINT1 (histidine triad nucleotide binding protein 1; minus strand). Cytogenetic location: 5q23.3.
Variant type: single nucleotide variant.
Coding change: c.59G>A on transcript NM_005340.7 (MANE Select); coding-DNA position 59, G replaced by A.
Protein change: p.Gly20Glu; replaces glycine 20 with glutamic acid.
Molecular consequence: missense variant. On other transcripts: non-coding transcript variant (5).
Genome position (GRCh38, 1-based): chr5:131,165,147, C>T on the plus strand (G>A on the coding strand, the complement: HINT1 is on the minus strand). VCF-style: chr5-131165147-C-T. GRCh37 (hg19) VCF-style: chr5-130500840-C-T.
Other names: short protein forms G20E.
Identifiers: ClinVar variation 836107 (VCV000836107.44), dbSNP rs773013836, ClinGen allele CA3398663.
Genomic context (GRCh38, chr5:131,165,147, plus strand): 5'-GTACCTACCCGGTCATCCTCAAAAATGATTTTGGCTGGTATTTCCTTGCGGATGATCTTC[C>T]CAAAGATCGTGTCGCCACCAGGCCGAGCGACCTGAGCCTTGGCAATCTCATCTGCCATCT-3'
Protein context (NP_005331.1, residues 10-30): VARPGGDTIF[Gly20Glu]KIIRKEIPAK